The following is an entry in ClinVar:

NC_000005.10:g.162097769_162097770insTAACATAGCTACAAAAGATGGGTGAGACAGTAACCTCCTCAGCAAAACTCTAGCTTTCTTTTGAACTATTCAAAGCCAAGATAGCTTTGCTTCATATTGGCAAAGAAAACAGGAATGAAATATACCAATATTTAAAAAGATAATCTTACTGTGTACAAATTTTCTGTTTATCATTTTATTAAAACAGGAATACACTATTGATATATTTTTTGCGCAAACGTGGTATGACAGACGTTTGAAATTTAACAGCACCATTAAAGTCCTCCGATTGAACAGCAACATGGTGGGGAAAATCTGGATTCCAGACACTTTCTTCAGA

Gene: GABRG2 (gamma-aminobutyric acid type A receptor subunit gamma2; plus strand). Cytogenetic location: 5q34.
Variant type: Insertion.
Genome position: GRCh38: chr5:162,097,769-162,097,770. GRCh37 (hg19): chr5:161,524,775-161,524,776.
Identifiers: ClinVar variation 3757681 (VCV003757681.2).

ClinVar aggregate classification (germline): Pathogenic (1 of 4 stars; one submission).

Conditions:
Febrile seizures, familial, 8 (FEB8). Also called: CONVULSIONS, FAMILIAL FEBRILE, 8. Identifiers: Orphanet 36387, MedGen C1969810, MONDO:0011891, OMIM 607681.
EPILEPSY, CHILDHOOD ABSENCE, SUSCEPTIBILITY TO, 2 (ECA2). Identifiers: Orphanet 64280, MedGen C1843244, OMIM 607681.

Submission:

Labcorp Genetics (formerly Invitae), Labcorp
Classification: Pathogenic for Febrile seizures, familial, 8; EPILEPSY, CHILDHOOD ABSENCE, SUSCEPTIBILITY TO, 2. Last evaluated: 2024-08-14. Review status: criteria provided, single submitter. Criteria: Invitae Variant Classification Sherloc (09022015). Collection method: clinical testing. Allele origin: germline.
Comment: This sequence change creates a premature translational stop signal (p.Asn154*) in the GABRG2 gene. It is expected to result in an absent or disrupted protein product. Loss-of-function variants in GABRG2 are known to be pathogenic (PMID: 22539854, 22750526, 24407264). This variant is not present in population databases (gnomAD no frequency). This variant has not been reported in the literature in individuals affected with GABRG2-related conditions. For these reasons, this variant has been classified as Pathogenic.

Literature cited by the submitters: PubMed 22539854; PubMed 22750526; PubMed 24407264.